The following is an entry in ClinVar:

NM_022455.5(NSD1):c.3158A>G (p.Lys1053Arg)

Gene: NSD1 (nuclear receptor binding SET domain protein 1; plus strand). Cytogenetic location: 5q35.3.
Variant type: single nucleotide variant.
Coding change: c.3158A>G on transcript NM_022455.5 (MANE Select); coding-DNA position 3158, A replaced by G.
Protein change: p.Lys1053Arg; replaces lysine 1053 with arginine.
Molecular consequence: missense variant.
Genome position (GRCh38, 1-based): chr5:177,211,557, A>G. VCF-style: chr5-177211557-A-G. GRCh37 (hg19) VCF-style: chr5-176638558-A-G.
Other names: c.2285A>G, p.Lys762Arg (NM_001365684.2, NM_001409306.1, NM_001409307.1 and 3 more transcripts); c.3158A>G, p.Lys1053Arg (NM_001409301.1, NM_001409302.1, NM_001409303.1); c.2738A>G, p.Lys913Arg (NM_001409304.1); c.2405A>G, p.Lys802Arg (NM_001409305.1); short protein forms K1053R, K762R, K802R, K913R.
Identifiers: ClinVar variation 4682070 (VCV004682070.5).

ClinVar aggregate classification (germline): Uncertain significance (1 of 4 stars; one submission).

Submission:

CeGaT Center for Human Genetics Tuebingen
Classification: Uncertain significance. Last evaluated: 2025-12-01. Review status: criteria provided, single submitter. Criteria: CeGaT Center For Human Genetics Tuebingen Variant Classification Criteria Version 2. Collection method: clinical testing. Allele origin: germline. Affected: yes. Observed: 1 variant allele.
Comment: NSD1: PM2